The following is an entry in ClinVar:

ClinVar aggregate classification (germline): Likely pathogenic (1 of 4 stars; one submission).

Conditions:
Progressive familial intrahepatic cholestasis type 3. Also called: MDR3 DEFICIENCY; Low Gamma-GT Familial Intrahepatic Cholestasis. Identifiers: Orphanet 79305, MedGen C1865643, MONDO:0011214, OMIM 602347.

Submission:

3billion
Classification: Likely pathogenic for Progressive familial intrahepatic cholestasis type 3. Last evaluated: 2024-08-07. Review status: criteria provided, single submitter. Criteria: ACMG Guidelines, 2015. Collection method: clinical testing. Allele origin: germline. Affected: yes.
Comment: The variant is not observed in the gnomAD v4.0.0 dataset. Predicted Consequence/Location: Frameshift: predicted to result in a loss or disruption of normal protein function through nonsense-mediated decay (NMD) or protein truncation. Multiple pathogenic variants are reported downstream of the variant. Therefore, this variant is classified as Likely pathogenic according to the recommendation of ACMG/AMP guideline.

NM_000443.4(ABCB4):c.3016del (p.His1006fs)

Gene: ABCB4 (ATP binding cassette subfamily B member 4; minus strand). Cytogenetic location: 7q21.12.
Variant type: Deletion.
Coding change: c.3016del on transcript NM_000443.4 (MANE Select); coding-DNA position 3016, one base deleted (C; older notation c.3016delC).
Protein change: p.His1006fs; shifts the reading frame from histidine 1006.
Molecular consequence: frameshift variant.
Genome position (GRCh38, 1-based): chr7:87,409,301, G deleted on the plus strand (C on the coding strand, the reverse complement: ABCB4 is on the minus strand); the first of 3 consecutive G bases (chr7:87,409,301-87,409,303); deleting any one gives the same sequence. VCF-style (leftmost placement, unchanged base first): chr7-87409300-TG-T. GRCh37 (hg19) VCF-style: chr7-87038616-TG-T.
Other names: c.3016del, p.His1006fs (NM_018849.3); c.2875del, p.His959fs (NM_018850.3); short protein forms H1006fs, H959fs.
Identifiers: ClinVar variation 4291845 (VCV004291845.1).